The following is an entry in ClinVar:

NM_000027.4(AGA):c.179G>T (p.Gly60Val)

Gene: AGA (aspartylglucosaminidase; minus strand). Cytogenetic location: 4q34.3.
Variant type: single nucleotide variant.
Coding change: c.179G>T on transcript NM_000027.4 (MANE Select); coding-DNA position 179, G replaced by T.
Protein change: p.Gly60Val; replaces glycine 60 with valine.
Molecular consequence: missense variant. On other transcripts: non-coding transcript variant (1).
Genome position (GRCh38, 1-based): chr4:177,440,375, C>A on the plus strand (G>T on the coding strand, the complement: AGA is on the minus strand). VCF-style: chr4-177440375-C-A. GRCh37 (hg19) VCF-style: chr4-178361529-C-A.
Other names: c.179G>T, p.Gly60Val (NM_001171988.2); short protein forms G60V.
Identifiers: ClinVar variation 5020402 (VCV005020402.1).

ClinVar aggregate classification (germline): Uncertain significance (1 of 4 stars; one submission).

Submission:

Dasa
Classification: Uncertain significance. Last evaluated: 2026-06-11. Review status: criteria provided, single submitter. Criteria: DASA Assertion Criteria. Collection method: clinical testing. Allele origin: germline.
Comment: NM_000027.4(AGA):c.179G>T (p.Gly60Val) is a missense variant that results in the substitution of glycine with valine. The affected residue or protein region has prior evidence supporting clinical relevance. This variant is rare in population databases. Computational prediction algorithms are consistent with a deleterious effect. The currently available literature and clinical evidence are not sufficient to establish a definitive association between this variant and the reported condition. Therefore, this variant is classified as a variant of uncertain significance.